The following is an entry in ClinVar:

NM_000526.5(KRT14):c.474G>T (p.Glu158Asp)

Gene: KRT14 (keratin 14; minus strand). Cytogenetic location: 17q21.2.
Variant type: single nucleotide variant.
Coding change: c.474G>T on transcript NM_000526.5 (MANE Select); coding-DNA position 474, G replaced by T.
Protein change: p.Glu158Asp; replaces glutamic acid 158 with aspartic acid.
Molecular consequence: missense variant.
Genome position (GRCh38, 1-based): chr17:41,586,361, C>A on the plus strand (G>T on the coding strand, the complement: KRT14 is on the minus strand). VCF-style: chr17-41586361-C-A. GRCh37 (hg19) VCF-style: chr17-39742613-C-A.
Other names: short protein forms E158D.
Identifiers: ClinVar variation 2973781 (VCV002973781.3), dbSNP rs753464942, ClinGen allele CA399481963.

ClinVar aggregate classification (germline): Uncertain significance (1 of 4 stars; one submission).

gnomAD v4.1: 22 of 1,613,196 alleles (0.0014%); highest among the groups gnomAD compares: Non-Finnish European, 0.0019%; no homozygotes.

Submission:

Labcorp Genetics (formerly Invitae), Labcorp
Classification: Uncertain significance. Last evaluated: 2025-07-10. Review status: criteria provided, single submitter. Criteria: Invitae Variant Classification Sherloc (09022015). Collection method: clinical testing. Allele origin: germline.
Comment: This sequence change replaces glutamic acid, which is acidic and polar, with aspartic acid, which is acidic and polar, at codon 158 of the KRT14 protein (p.Glu158Asp). This variant is present in population databases (no rsID available, gnomAD 0.0009%). This variant has not been reported in the literature in individuals affected with KRT14-related conditions. ClinVar contains an entry for this variant (Variation ID: 2973781). Invitae Evidence Modeling of protein sequence and biophysical properties (such as structural, functional, and spatial information, amino acid conservation, physicochemical variation, residue mobility, and thermodynamic stability) indicates that this missense variant is not expected to disrupt KRT14 protein function with a negative predictive value of 80%. In summary, the available evidence is currently insufficient to determine the role of this variant in disease. Therefore, it has been classified as a Variant of Uncertain Significance.